The following is an entry in ClinVar:

ClinVar aggregate classification (germline): Uncertain significance (1 of 4 stars; one submission).

Conditions:
Noonan syndrome 8 (NS8). Identifiers: Orphanet 648, MedGen C3809233, MONDO:0014143, OMIM 615355.

Submission:

Labcorp Genetics (formerly Invitae), Labcorp
Classification: Uncertain significance for Noonan syndrome 8. Last evaluated: 2022-12-06. Review status: criteria provided, single submitter. Criteria: Invitae Variant Classification Sherloc (09022015). Collection method: clinical testing. Allele origin: germline.
Comment: In summary, the available evidence is currently insufficient to determine the role of this variant in disease. Therefore, it has been classified as a Variant of Uncertain Significance. Experimental studies and prediction algorithms are not available or were not evaluated, and the functional significance of this variant is currently unknown. This variant has not been reported in the literature in individuals affected with RIT1-related conditions. This variant results in a copy number gain of the genomic region encompassing exon(s) 2-5 of the RIT1 gene. This region includes the initiator codon of the gene. This copy number gain extends beyond the assayed region for this gene and therefore may encompass additional genes. As the precise location of this event is unknown, it may be in tandem or it may be located elsewhere in the genome.

NC_000001.10:g.(?_155874092)_(155880686_?)dup

Gene: RIT1 (Ras like without CAAX 1; minus strand). Cytogenetic location: 1q22.
Variant type: Duplication.
Identifiers: ClinVar variation 1040782 (VCV001040782.5).